The following is an entry in ClinVar:

ClinVar aggregate classification (germline): Conflicting classifications of pathogenicity. Review status: criteria provided, conflicting classifications (1 of 4 stars). 3 submissions from 3 submitters: Uncertain significance (1); Likely benign (2). Last evaluated 2025-08-27.

Conditions:
Inborn genetic diseases. Identifiers: MedGen C0950123, MeSH D030342.

Allele frequency attached by ClinVar (database versions not stated): gnomAD 0.00001; ExAC 0.00002; gnomAD exomes 0.00002; TOPMed 0.00002.
gnomAD v4.1: 37 of 1,611,126 alleles (0.0023%); highest among the groups gnomAD compares: Admixed American, 0.0067%; no homozygotes.

Submissions (3):

Ambry Genetics
Classification: Likely benign for Inborn genetic diseases. Last evaluated: 2025-08-27. Review status: criteria provided, single submitter. Criteria: Ambry Variant Classification Scheme 2023. Collection method: clinical testing. Allele origin: germline.

Labcorp Genetics (formerly Invitae), Labcorp
Classification: Uncertain significance. Last evaluated: 2025-06-12. Review status: criteria provided, single submitter. Criteria: Invitae Variant Classification Sherloc (09022015). Collection method: clinical testing. Allele origin: germline.
Comment: This sequence change replaces threonine, which is neutral and polar, with methionine, which is neutral and non-polar, at codon 219 of the AHDC1 protein (p.Thr219Met). This variant is present in population databases (rs773993918, gnomAD 0.006%). This variant has not been reported in the literature in individuals affected with AHDC1-related conditions. ClinVar contains an entry for this variant (Variation ID: 2420267). An algorithm developed to predict the effect of missense changes on protein structure and function (PolyPhen-2) suggests that this variant is likely to be disruptive. In summary, the available evidence is currently insufficient to determine the role of this variant in disease. Therefore, it has been classified as a Variant of Uncertain Significance.

Blueprint Genetics
Classification: Likely benign. Last evaluated: 2021-03-10. Review status: criteria provided, single submitter. Criteria: ACMG Guidelines, 2015. Collection method: clinical testing. Allele origin: germline.

NM_001371928.1(AHDC1):c.656C>T (p.Thr219Met)

Gene: AHDC1 (AT-hook DNA binding motif containing 1; minus strand). Cytogenetic location: 1p36.11.
Variant type: single nucleotide variant.
Coding change: c.656C>T on transcript NM_001371928.1 (MANE Select); coding-DNA position 656, C replaced by T.
Protein change: p.Thr219Met; replaces threonine 219 with methionine.
Molecular consequence: missense variant.
Genome position (GRCh38, 1-based): chr1:27,551,460, G>A on the plus strand (C>T on the coding strand, the complement: AHDC1 is on the minus strand). VCF-style: chr1-27551460-G-A. GRCh37 (hg19) VCF-style: chr1-27877971-G-A.
Other names: c.656C>T, p.Thr219Met (NM_001029882.3); c.656C>T (NM_001029882.2); short protein forms T219M.
Identifiers: ClinVar variation 2420267 (VCV002420267.8), dbSNP rs773993918, ClinGen allele CA716109.